The following is an entry in ClinVar:

NM_017780.4(CHD7):c.3595G>T (p.Ala1199Ser)

Gene: CHD7 (chromodomain helicase DNA binding protein 7; plus strand). Cytogenetic location: 8q12.2.
Variant type: single nucleotide variant.
Coding change: c.3595G>T on transcript NM_017780.4 (MANE Select); coding-DNA position 3595, G replaced by T.
Protein change: p.Ala1199Ser; replaces alanine 1199 with serine.
Molecular consequence: missense variant. On other transcripts: intron variant (1).
Genome position (GRCh38, 1-based): chr8:60,830,394, G>T. VCF-style: chr8-60830394-G-T. GRCh37 (hg19) VCF-style: chr8-61742953-G-T.
Other names: c.1717-31835G>T (NM_001316690.1); short protein forms A1199S.
Identifiers: ClinVar variation 2790297 (VCV002790297.3), dbSNP rs2487853533, ClinGen allele CA371315156.

ClinVar aggregate classification (germline): Uncertain significance (1 of 4 stars; one submission).

Conditions:
CHARGE syndrome (CHARGE). Also called: Hittner Hirsch Kreh syndrome; CHARGE ASSOCIATION--COLOBOMA, HEART ANOMALY, CHOANAL ATRESIA, RETARDATION, GENITAL AND EAR ANOMALIES; Coloboma, heart anomaly, choanal atresia, retardation, genital and ear anomalies; CHARGE association; Hall-Hittner syndrome. Identifiers: Orphanet 138, MedGen C0265354, MONDO:0008965.

Submission:

Labcorp Genetics (formerly Invitae), Labcorp
Classification: Uncertain significance for CHARGE syndrome. Last evaluated: 2022-11-02. Review status: criteria provided, single submitter. Criteria: Invitae Variant Classification Sherloc (09022015). Collection method: clinical testing. Allele origin: germline.
Comment: In summary, the available evidence is currently insufficient to determine the role of this variant in disease. Therefore, it has been classified as a Variant of Uncertain Significance. Advanced modeling of protein sequence and biophysical properties (such as structural, functional, and spatial information, amino acid conservation, physicochemical variation, residue mobility, and thermodynamic stability) performed at Invitae indicates that this missense variant is expected to disrupt CHD7 protein function. This variant has not been reported in the literature in individuals affected with CHD7-related conditions. This variant is not present in population databases (gnomAD no frequency). This sequence change replaces alanine, which is neutral and non-polar, with serine, which is neutral and polar, at codon 1199 of the CHD7 protein (p.Ala1199Ser).